The following is an entry in ClinVar:

NM_002025.4(AFF2):c.926T>C (p.Ile309Thr)

Gene: AFF2 (ALF transcription elongation factor 2; plus strand). Cytogenetic location: Xq28.
Variant type: single nucleotide variant.
Coding change: c.926T>C on transcript NM_002025.4 (MANE Select); coding-DNA position 926, T replaced by C.
Protein change: p.Ile309Thr; replaces isoleucine 309 with threonine.
Molecular consequence: missense variant.
Genome position (GRCh38, 1-based): chrX:148,662,653, T>C. VCF-style: chrX-148662653-T-C. GRCh37 (hg19) VCF-style: chrX-147744174-T-C.
Other names: c.914T>C, p.Ile305Thr (NM_001169122.2, NM_001169123.2, NM_001169125.2); c.926T>C, p.Ile309Thr (NM_001169124.2); short protein forms I309T, I305T.
Identifiers: ClinVar variation 376872 (VCV000376872.4), dbSNP rs782518861, ClinGen allele CA10536861.

ClinVar aggregate classification (germline): Uncertain significance. Review status: criteria provided, multiple submitters, no conflicts (2 of 4 stars). 2 submissions from 2 submitters: Uncertain significance (2). Last evaluated 2016-11-10.

Allele frequency attached by ClinVar (database versions not stated): ExAC 0.00001; gnomAD 0.00001; gnomAD exomes 0.00001; TOPMed 0.00003.
gnomAD v4.1: 8 of 1,210,304 alleles (0.00066%); highest among the groups gnomAD compares: African/African-American, 0.0035%; no homozygotes.

Submissions (2):

Center for Pediatric Genomic Medicine, Children's Mercy Hospital and Clinics
Classification: Uncertain significance. Last evaluated: 2016-11-10. Review status: criteria provided, single submitter. Criteria: ACMG Guidelines, 2015. Collection method: clinical testing. Allele origin: germline.
ClinVar note: Converted during submission from Uncertain Significance to Uncertain significance.

GeneDx
Classification: Uncertain significance. Last evaluated: 2016-01-11. Review status: criteria provided, single submitter. Criteria: GeneDx Variant Classification (06012015). Collection method: clinical testing. Allele origin: germline. Affected: yes.
Comment: The I309T variant in the AFF2 gene has not been reported previously as a pathogenic variant, nor as a benign variant, to our knowledge. The I309T variant was not observed in approximately 6500 individuals of European and African American ancestry in the NHLBI Exome Sequencing Project, indicating it is not a common benign variant in these populations. The I309T variant is a non-conservative amino acid substitution, which is likely to impact secondary protein structure as these residues differ in polarity, charge, size and/or other properties. This substitution occurs at a position where amino acids with similar properties to Isoleucine are tolerated across species. In silico analysis is inconsistent in its predictions as to whether or not the variant is damaging to the protein structure/function. We interpret I309T as a variant of uncertain significance.